The following is an entry in ClinVar:

ClinVar aggregate classification (germline): Likely benign. Review status: criteria provided, multiple submitters, no conflicts (2 of 4 stars). 3 submissions from 3 submitters: Likely benign (2). 1 of the submissions does not count toward it. Last evaluated 2018-01-12.

Conditions:
HNF1B-related disorder. Also called: HNF1B-related condition; HNF1B-related disorders.
Maturity-onset diabetes of the young (MODY). Also called: Maturity onset diabetes mellitus in young. Identifiers: Orphanet 552, MedGen C0342276, MONDO:0018911, HP:0004904.
Renal cysts and diabetes syndrome (RCAD). Also called: Familial hypoplastic, glomerulocystic kidney; MATURITY-ONSET DIABETES OF THE YOUNG, TYPE 5. Identifiers: Orphanet 93111, MedGen C0431693, MONDO:0007669, OMIM 137920.

Allele frequency attached by ClinVar (database versions not stated): ExAC 0.00002; gnomAD exomes 0.00002 and 0.00004; gnomAD 0.00003; TOPMed 0.00004.
gnomAD v4.1: 65 of 1,612,786 alleles (0.004%); highest among the groups gnomAD compares: Non-Finnish European, 0.0047%; no homozygotes.

Submissions (3):

Illumina Laboratory Services, Illumina
Classification: Likely benign for Renal cysts and diabetes syndrome. Last evaluated: 2018-01-12. Review status: criteria provided, single submitter. Criteria: ICSL Variant Classification Criteria 13 December 2019. Collection method: clinical testing. Allele origin: germline.
Comment: This variant was observed in the ICSL laboratory as part of a predisposition screen in an ostensibly healthy population. It had not been previously curated by ICSL or reported in the Human Gene Mutation Database (HGMD: prior to June 1st, 2018), and was therefore a candidate for classification through an automated scoring system. Utilizing variant allele frequency, disease prevalence and penetrance estimates, and inheritance mode, an automated score was calculated to assess if this variant is too frequent to cause the disease. Based on the score and internal cut-off values, a variant classified as likely benign is not then subjected to further curation. The score for this variant resulted in a classification of likely benign for this disease.

Clinical Genomics, Uppaluri K&H Personalized Medicine Clinic
Classification: Likely benign for Maturity-onset diabetes of the young. Review status: criteria provided, single submitter. Criteria: K & H Uppaluri Personalized Medicine Clinic Variant Classification & Assertion Criteria_Updated V.1. Collection method: research. Allele origin: unknown. Inheritance: Autosomal dominant inheritance.
Comment: HNF1B gene mutations are associated with early onset diabetes and pancreatic atrophy. It is also associated with multiple renal manifestations including renal cysts, Tubulointerstitial disease, glomerulocystic disease, renal hypoplasia, hypomagnesemia. However no sufficient evidence is found to ascertain the role of this particular variant rs762266343, yet.

PreventionGenetics, part of Exact Sciences
Classification: Uncertain significance for HNF1B-related condition. Last evaluated: 2024-08-25. Review status: no assertion criteria provided. Collection method: clinical testing. Allele origin: germline. Not counted in ClinVar's aggregate classification.
Comment: The HNF1B c.1370A>G variant is predicted to result in the amino acid substitution p.Gln457Arg. This variant is referred to as c.*88A>G (post-coding) based on an alternative transcript NM_000458.3. To our knowledge, this variant has not been reported in the literature. This variant is reported in 0.0040% of alleles in individuals of African descent in gnomAD. At this time, the clinical significance of this variant is uncertain due to the absence of conclusive functional and genetic evidence.

Literature cited by the submitters: PubMed 24897035 (cited by Clinical Genomics, Uppaluri K&H Personalized Medicine Clinic); PubMed 25536396 (cited by Clinical Genomics, Uppaluri K&H Personalized Medicine Clinic); PubMed 27615128 (cited by Clinical Genomics, Uppaluri K&H Personalized Medicine Clinic); PubMed 28215227 (cited by Clinical Genomics, Uppaluri K&H Personalized Medicine Clinic); PubMed 33434175 (cited by Clinical Genomics, Uppaluri K&H Personalized Medicine Clinic); PubMed 25741167 (cited by Clinical Genomics, Uppaluri K&H Personalized Medicine Clinic); PubMed 26340261 (cited by Clinical Genomics, Uppaluri K&H Personalized Medicine Clinic); PubMed 19639018 (cited by Clinical Genomics, Uppaluri K&H Personalized Medicine Clinic).

NM_000458.4(HNF1B):c.*88A>G

Gene: HNF1B (HNF1 homeobox B; minus strand). Cytogenetic location: 17q12.
Variant type: single nucleotide variant.
Coding change: c.*88A>G on transcript NM_000458.4 (MANE Select); 88 bases downstream of the stop codon, A replaced by G.
Molecular consequence: 3 prime UTR variant. On other transcripts: missense variant (1).
Genome position (GRCh38, 1-based): chr17:37,687,284, T>C on the plus strand (A>G on the coding strand, the complement: HNF1B is on the minus strand). VCF-style: chr17-37687284-T-C. GRCh37 (hg19) VCF-style: chr17-36047287-T-C.
Other names: c.*88A>G (NM_001165923.4); c.1370A>G, p.Gln457Arg (NM_001304286.2); c.1370A>G (NM_001304286.1); short protein forms Q457R.
Identifiers: ClinVar variation 322942 (VCV000322942.7), dbSNP rs762266343, ClinGen allele CA8518742.